The following is an entry in ClinVar:

ClinVar aggregate classification (germline): Uncertain significance. Review status: criteria provided, multiple submitters, no conflicts (2 of 4 stars). 2 submissions from 2 submitters: Uncertain significance (2). Last evaluated 2025-03-03.

Conditions:
Retinoblastoma (RB1). Also called: RETINOBLASTOMA, SOMATIC. Identifiers: Orphanet 790, MedGen C0035335, MeSH D012175, MONDO:0008380, OMIM 180200, HP:0009919. Disease mechanism: loss of function. Inheritance: Both sporadic and heritable forms are tested..

Allele frequency attached by ClinVar (database versions not stated): 1000 Genomes Project 0.00020; 1000 Genomes Project 30x 0.00031; gnomAD 0.00001; TOPMed below 0.00001; ExAC 0.00001.
gnomAD v4.1: 1 of 1,598,106 alleles (0.000063%); highest among the groups gnomAD compares: Admixed American, 0.0017%; no homozygotes.

Submissions (2):

Labcorp Genetics (formerly Invitae), Labcorp
Classification: Uncertain significance for Retinoblastoma. Last evaluated: 2025-03-03. Review status: criteria provided, single submitter. Criteria: Invitae Variant Classification Sherloc (09022015). Collection method: clinical testing. Allele origin: germline.
Comment: This sequence change replaces leucine, which is neutral and non-polar, with phenylalanine, which is neutral and non-polar, at codon 200 of the RB1 protein (p.Leu200Phe). This variant is present in population databases (rs571823638, gnomAD 0.003%). This variant has not been reported in the literature in individuals affected with RB1-related conditions. ClinVar contains an entry for this variant (Variation ID: 1721779). Invitae Evidence Modeling of protein sequence and biophysical properties (such as structural, functional, and spatial information, amino acid conservation, physicochemical variation, residue mobility, and thermodynamic stability) indicates that this missense variant is expected to disrupt RB1 protein function with a positive predictive value of 80%. In summary, the available evidence is currently insufficient to determine the role of this variant in disease. Therefore, it has been classified as a Variant of Uncertain Significance.

All of Us Research Program, National Institutes of Health
Classification: Uncertain significance for Retinoblastoma. Last evaluated: 2024-08-06. Review status: criteria provided, single submitter. Criteria: ACMG Guidelines, 2015. Collection method: clinical testing. Allele origin: germline. Inheritance: Autosomal dominant inheritance. Observed: 1 variant allele, 1 heterozygote.
Comment: This study involves interpretation of variants in research participants for the purpose of population health screening. Participant phenotype was not available at the time of variant classification. Additional details can be found in publication PMID: 35346344, PMCID: PMC8962531

NM_000321.3(RB1):c.600A>C (p.Leu200Phe)

Gene: RB1 (RB transcriptional corepressor 1; plus strand). Cytogenetic location: 13q14.2.
Variant type: single nucleotide variant.
Coding change: c.600A>C on transcript NM_000321.3 (MANE Select); coding-DNA position 600, A replaced by C.
Protein change: p.Leu200Phe; replaces leucine 200 with phenylalanine.
Molecular consequence: missense variant.
Genome position (GRCh38, 1-based): chr13:48,349,016, A>C. VCF-style: chr13-48349016-A-C. GRCh37 (hg19) VCF-style: chr13-48923152-A-C.
Other names: c.600A>C, p.Leu200Phe (NM_001407165.1, NM_001407166.1); short protein forms L200F.
Identifiers: ClinVar variation 1721779 (VCV001721779.6), dbSNP rs571823638, ClinGen allele CA038907.